The following is an entry in ClinVar:

ClinVar aggregate classification (germline): Uncertain significance. Review status: criteria provided, multiple submitters, no conflicts (2 of 4 stars). 4 submissions from 4 submitters: Uncertain significance (4). Last evaluated 2025-04-18.

Conditions:
Inborn genetic diseases. Identifiers: MedGen C0950123, MeSH D030342.
Fanconi anemia (FA). Also called: Fanconi's anemia. Identifiers: Orphanet 84, MedGen C0015625, MeSH D005199, MONDO:0019391.

Allele frequency attached by ClinVar (database versions not stated): TOPMed 0.00001; ESP Exome Variant Server 0.00008.

Submissions (4):

Ambry Genetics
Classification: Uncertain significance for Inborn genetic diseases. Last evaluated: 2025-04-18. Review status: criteria provided, single submitter. Criteria: Ambry Variant Classification Scheme 2023. Collection method: clinical testing. Allele origin: germline.
Comment: The p.P745R variant (also known as c.2234C>G), located in coding exon 13 of the FANCM gene, results from a C to G substitution at nucleotide position 2234. The proline at codon 745 is replaced by arginine, an amino acid with dissimilar properties. This amino acid position is conserved. In addition, the in silico prediction for this alteration is inconclusive. Based on the available evidence, the clinical significance of this variant remains unclear.

GeneDx
Classification: Uncertain significance. Last evaluated: 2024-01-18. Review status: criteria provided, single submitter. Criteria: GeneDx Variant Classification Process June 2021. Collection method: clinical testing. Allele origin: germline. Affected: yes.
Comment: Not observed at significant frequency in large population cohorts (gnomAD); In silico analysis supports that this missense variant has a deleterious effect on protein structure/function; Has not been previously published as pathogenic or benign to our knowledge

Quest Diagnostics Nichols Institute San Juan Capistrano
Classification: Uncertain significance. Last evaluated: 2023-06-30. Review status: criteria provided, single submitter. Criteria: Quest Diagnostics criteria. Collection method: clinical testing. Allele origin: unknown.
Comment: This variant has not been reported in individuals with FANCM-related conditions in the published literature. The frequency of this variant in the general population, 0.000008 (2/251222 chromosomes (Genome Aggregation Database)), is uninformative in the assessment of its pathogenicity. Analysis of this variant using bioinformatics tools for the prediction of the effect of amino acid changes on protein structure and function yielded predictions that this variant is damaging. Based on the available information, we are unable to determine the clinical significance of this variant.

Labcorp Genetics (formerly Invitae), Labcorp
Classification: Uncertain significance for Fanconi anemia. Last evaluated: 2022-08-23. Review status: criteria provided, single submitter. Criteria: Invitae Variant Classification Sherloc (09022015). Collection method: clinical testing. Allele origin: germline.
Comment: In summary, the available evidence is currently insufficient to determine the role of this variant in disease. Therefore, it has been classified as a Variant of Uncertain Significance. Algorithms developed to predict the effect of missense changes on protein structure and function are either unavailable or do not agree on the potential impact of this missense change (SIFT: "Tolerated"; PolyPhen-2: "Possibly Damaging"; Align-GVGD: "Class C0"). ClinVar contains an entry for this variant (Variation ID: 645901). This variant has not been reported in the literature in individuals affected with FANCM-related conditions. This variant is present in population databases (rs371756587, gnomAD 0.01%). This sequence change replaces proline, which is neutral and non-polar, with arginine, which is basic and polar, at codon 745 of the FANCM protein (p.Pro745Arg).

NM_020937.4(FANCM):c.2234C>G (p.Pro745Arg)

Gene: FANCM (FA complementation group M; plus strand). Cytogenetic location: 14q21.2.
Variant type: single nucleotide variant.
Coding change: c.2234C>G on transcript NM_020937.4 (MANE Select); coding-DNA position 2234, C replaced by G.
Protein change: p.Pro745Arg; replaces proline 745 with arginine.
Molecular consequence: missense variant.
Genome position (GRCh38, 1-based): chr14:45,173,128, C>G. VCF-style: chr14-45173128-C-G. GRCh37 (hg19) VCF-style: chr14-45642331-C-G.
Other names: c.2234C>G (LRG_502t1, NM_020937.3); c.2156C>G, p.Pro719Arg (NM_001308133.2); short protein forms P719R, P745R.
Identifiers: ClinVar variation 645901 (VCV000645901.11), dbSNP rs371756587, ClinGen allele CA7169291.